The following is an entry in ClinVar:

NM_024596.5(MCPH1):c.149_151delinsGTG (p.Val50_Ile51delinsGlyVal)

Gene: MCPH1 (microcephalin 1; plus strand). Cytogenetic location: 8p23.1.
Variant type: Indel.
Coding change: c.149_151delinsGTG on transcript NM_024596.5 (MANE Select); coding-DNA positions 149 to 151, TTA replaced by GTG.
Protein change: p.Val50_Ile51delinsGlyVal.
Molecular consequence: missense variant. On other transcripts: non-coding transcript variant (1).
Genome position (GRCh38, 1-based): chr8:6,414,799-6,414,801, TTA replaced by GTG. VCF-style: chr8-6414799-TTA-GTG. GRCh37 (hg19) VCF-style: chr8-6272320-TTA-GTG.
Other names: c.149_151delTTAinsGTG (NM_024596.3); c.149_151delinsGTG, p.Val50_Ile51delinsGlyVal (NM_001172574.2, NM_001172575.2, NM_001322042.2 and 2 more transcripts); c.143_145delinsGTG, p.Val48_Ile49delinsGlyVal (NM_001322043.2); c.47_49delinsGTG, p.Val16_Ile17delinsGlyVal (NM_001322045.2).
Identifiers: ClinVar variation 451584 (VCV000451584.6), dbSNP rs1554476471, ClinGen allele CA658657746.

ClinVar aggregate classification (germline): Likely pathogenic (1 of 4 stars; one submission).

Submission:

GeneDx
Classification: Likely pathogenic. Last evaluated: 2023-11-13. Review status: criteria provided, single submitter. Criteria: GeneDx Variant Classification Process June 2021. Collection method: clinical testing. Allele origin: germline. Affected: yes.
Comment: Not observed at a significant frequency in large population cohorts (gnomAD); In silico analysis supports a deleterious effect on protein structure/function; Has not been previously published as pathogenic or benign to our knowledge